The following is an entry in ClinVar:

ClinVar aggregate classification (germline): Uncertain significance. Review status: criteria provided, multiple submitters, no conflicts (2 of 4 stars). 3 submissions from 3 submitters: Uncertain significance (3). Last evaluated 2023-06-01.

Submissions (3):

CeGaT Center for Human Genetics Tuebingen
Classification: Uncertain significance. Last evaluated: 2023-06-01. Review status: criteria provided, single submitter. Criteria: CeGaT Center For Human Genetics Tuebingen Variant Classification Criteria Version 2. Collection method: clinical testing. Allele origin: germline. Affected: yes. Observed: 1 variant allele.
Comment: PLEC: PM2

GeneDx
Classification: Uncertain significance. Last evaluated: 2021-01-27. Review status: criteria provided, single submitter. Criteria: GeneDx Variant Classification Process June 2021. Collection method: clinical testing. Allele origin: germline. Affected: yes.
Comment: Frameshift variant predicted to result in protein truncation or nonsense mediated decay in an alternate transcript of the PLEC gene for which loss-of-function is not a known mechanism of disease; Has not been previously published as pathogenic or benign to our knowledge

Athena Diagnostics
Classification: Uncertain significance. Last evaluated: 2020-10-27. Review status: criteria provided, single submitter. Criteria: Athena Diagnostics criteria. Collection method: clinical testing. Allele origin: unknown.

NM_201378.4(PLEC):c.71-3767_71-3737del

Genes: PLEC (plectin; minus strand), LOC130001342 (ATAC-STARR-seq lymphoblastoid silent region 19633; plus strand). Cytogenetic location: 8q24.3.
Variant type: Deletion.
Coding change: c.71-3767_71-3737del on transcript NM_201378.4 (MANE Plus Clinical); 3767 bases into the intron before coding-DNA position 71 through 3737 bases into the intron before coding-DNA position 71, 31 bases deleted.
Molecular consequence: intron variant. On other transcripts: frameshift variant (1).
Genome position (GRCh38, 1-based): chr8:143,942,429-143,942,459, 31 bases deleted; deleting any 31 consecutive bases within chr8:143,942,429-143,942,464 gives the same sequence; the c. name uses the placement nearest the transcript's 3' end. GRCh37 (hg19): chr8:145,016,602-145,016,632.
Other names: c.57_87del, p.Cys20fs (NM_201383.3); c.194-3767_194-3737del (NM_001410941.1, NM_000445.5); c.47-3767_47-3737del (NM_201379.3); c.524-3767_524-3737del (NM_201380.4); c.16+2189_16+2219del (NM_201381.3); c.112+1320_112+1350del (NM_201382.4); short protein forms C20fs.
Identifiers: ClinVar variation 1191881 (VCV001191881.29), dbSNP rs782134237, ClinGen allele CA4928731.